The following is an entry in ClinVar:

NM_020549.5(CHAT):c.580-5G>A

Gene: CHAT (choline O-acetyltransferase; plus strand). Cytogenetic location: 10q11.23.
Variant type: single nucleotide variant.
Coding change: c.580-5G>A on transcript NM_020549.5 (MANE Select); 5 bases into the intron before coding-DNA position 580, G replaced by A.
Molecular consequence: intron variant.
Genome position (GRCh38, 1-based): chr10:49,620,490, G>A. VCF-style: chr10-49620490-G-A. GRCh37 (hg19) VCF-style: chr10-50828536-G-A.
Other names: c.226-5G>A (NM_020984.4, NM_020985.4, NM_020986.4 and 2 more transcripts); c.334-5G>A (NM_001142933.2).
Identifiers: ClinVar variation 570119 (VCV000570119.11), dbSNP rs763339825, ClinGen allele CA5497197.

ClinVar aggregate classification (germline): Uncertain significance. Review status: criteria provided, multiple submitters, no conflicts (2 of 4 stars). 3 submissions from 3 submitters: Uncertain significance (3). Last evaluated 2026-01-20.

Conditions:
Familial infantile myasthenia (CMS6). Also called: Congenital myasthenic syndrome type 6; MYASTHENIC SYNDROME, PRESYNAPTIC, CONGENITAL, ASSOCIATED WITH EPISODIC APNEA; MYASTHENIC SYNDROME, CONGENITAL, 6, PRESYNAPTIC. Identifiers: Orphanet 590, MedGen C0393929, MONDO:0009689, OMIM 254210.

Allele frequency attached by ClinVar (database versions not stated): TOPMed 0.00004; gnomAD 0.00005 and 0.00006; ExAC 0.00003; gnomAD exomes 0.00003.
gnomAD v4.1: 216 of 1,607,264 alleles (0.013%); highest among the groups gnomAD compares: Non-Finnish European, 0.018%; no homozygotes.

Submissions (3):

Labcorp Genetics (formerly Invitae), Labcorp
Classification: Uncertain significance for Familial infantile myasthenia. Last evaluated: 2026-01-20. Review status: criteria provided, single submitter. Criteria: Invitae Variant Classification Sherloc (09022015). Collection method: clinical testing. Allele origin: germline.
Comment: This sequence change falls in intron 3 of the CHAT gene. It does not directly change the encoded amino acid sequence of the CHAT protein. This variant is present in population databases (rs763339825, gnomAD 0.006%). This variant has not been reported in the literature in individuals affected with CHAT-related conditions. ClinVar contains an entry for this variant (Variation ID: 570119). Algorithms developed to predict the effect of sequence changes on RNA splicing suggest that this variant may create or strengthen a splice site. In summary, the available evidence is currently insufficient to determine the role of this variant in disease. Therefore, it has been classified as a Variant of Uncertain Significance.

Blueprint Genetics
Classification: Uncertain significance. Last evaluated: 2024-07-10. Review status: criteria provided, single submitter. Criteria: ACMG Guidelines, 2015. Collection method: clinical testing. Allele origin: germline.

GeneDx
Classification: Uncertain significance. Last evaluated: 2022-07-20. Review status: criteria provided, single submitter. Criteria: GeneDx Variant Classification Process June 2021. Collection method: clinical testing. Allele origin: germline. Affected: yes.
Comment: Not observed at significant frequency in large population cohorts (gnomAD); In silico analysis supports a deleterious effect on splicing; Has not been previously published as pathogenic or benign to our knowledge